The following is an entry in ClinVar:

ClinVar aggregate classification (germline): Uncertain significance (1 of 4 stars; one submission).

Submission:

Geisinger Autism and Developmental Medicine Institute, Geisinger Health System
Classification: Uncertain significance. Last evaluated: 2018-03-27. Review status: criteria provided, single submitter. Criteria: ACMG CNV Guidelines, 2011. Collection method: provider interpretation. Allele origin: unknown.

Single allele

Genes: CD8B2 (CD8B family member 2; plus strand), GACAT1 (gastric cancer associated transcript 1; plus strand), LINC01789 (long intergenic non-protein coding RNA 1789; minus strand), LINC01885 (long intergenic non-protein coding RNA 1885; minus strand), LINC01886 (long intergenic non-protein coding RNA 1886; plus strand) and 10 more. Cytogenetic location: 2q12.2-12.3.
Variant type: Deletion.
Identifiers: ClinVar variation 560118 (VCV000560118.3).